The following is an entry in ClinVar:

ClinVar aggregate classification (germline): Uncertain significance (1 of 4 stars; one submission).

Conditions:
Paroxysmal nonkinesigenic dyskinesia. Also called: Paroxysmal non-kinesigenic dyskinesia. Identifiers: Orphanet 98810, MedGen C1869117, MONDO:0700088.

Submission:

Labcorp Genetics (formerly Invitae), Labcorp
Classification: Uncertain significance for Paroxysmal nonkinesigenic dyskinesia. Last evaluated: 2022-08-08. Review status: criteria provided, single submitter. Criteria: Invitae Variant Classification Sherloc (09022015). Collection method: clinical testing. Allele origin: germline.
Comment: In summary, the available evidence is currently insufficient to determine the role of this variant in disease. Therefore, it has been classified as a Variant of Uncertain Significance. Algorithms developed to predict the effect of missense changes on protein structure and function output the following: SIFT: "Tolerated"; PolyPhen-2: "Benign"; Align-GVGD: "Class C0". The serine amino acid residue is found in multiple mammalian species, which suggests that this missense change does not adversely affect protein function. This variant has not been reported in the literature in individuals affected with PNKD-related conditions. This variant is not present in population databases (gnomAD no frequency). This sequence change replaces proline, which is neutral and non-polar, with serine, which is neutral and polar, at codon 360 of the PNKD protein (p.Pro360Ser).

NM_015488.5(PNKD):c.1078C>T (p.Pro360Ser)

Genes: CATIP-AS2 (CATIP antisense RNA 2; minus strand), PNKD (PNKD metallo-beta-lactamase domain containing; plus strand). Cytogenetic location: 2q35.
Variant type: single nucleotide variant.
Coding change: c.1078C>T on transcript NM_015488.5 (MANE Select); coding-DNA position 1078, C replaced by T.
Protein change: p.Pro360Ser; replaces proline 360 with serine.
Molecular consequence: missense variant.
Genome position (GRCh38, 1-based): chr2:218,344,901, C>T. VCF-style: chr2-218344901-C-T. GRCh37 (hg19) VCF-style: chr2-219209624-C-T.
Other names: c.1006C>T, p.Pro336Ser (NM_022572.5); short protein forms P360S, P336S.
Identifiers: ClinVar variation 2000243 (VCV002000243.4), dbSNP rs2469474634, ClinGen allele CA350543872.